The following is an entry in ClinVar:

NM_000075.4(CDK4):c.113G>C (p.Arg38Thr)

Gene: CDK4 (cyclin dependent kinase 4; minus strand). Cytogenetic location: 12q14.1.
Variant type: single nucleotide variant.
Coding change: c.113G>C on transcript NM_000075.4 (MANE Select); coding-DNA position 113, G replaced by C.
Protein change: p.Arg38Thr; replaces arginine 38 with threonine.
Molecular consequence: missense variant.
Genome position (GRCh38, 1-based): chr12:57,751,605, C>G on the plus strand (G>C on the coding strand, the complement: CDK4 is on the minus strand). VCF-style: chr12-57751605-C-G. GRCh37 (hg19) VCF-style: chr12-58145388-C-G.
Other names: short protein forms R38T.
Identifiers: ClinVar variation 4741758 (VCV004741758.1).

ClinVar aggregate classification (germline): Uncertain significance (1 of 4 stars; one submission).

Conditions:
Familial melanoma. Also called: Hereditary melanoma; Hereditary cutaneous melanoma. Identifiers: Orphanet 618, MedGen C1512419, MONDO:0018961.

gnomAD v4.1: 1 of 1,614,218 alleles (0.000062%); highest among the groups gnomAD compares: Non-Finnish European, 0.000085%; no homozygotes.

Submission:

Labcorp Genetics (formerly Invitae), Labcorp
Classification: Uncertain significance for Familial melanoma. Last evaluated: 2025-05-22. Review status: criteria provided, single submitter. Criteria: Invitae Variant Classification Sherloc (09022015). Collection method: clinical testing. Allele origin: germline.
Comment: This sequence change replaces arginine, which is basic and polar, with threonine, which is neutral and polar, at codon 38 of the CDK4 protein (p.Arg38Thr). This variant is not present in population databases (gnomAD no frequency). This variant has not been reported in the literature in individuals affected with CDK4-related conditions. An algorithm developed to predict the effect of missense changes on protein structure and function (PolyPhen-2) suggests that this variant is likely to be tolerated. In summary, the available evidence is currently insufficient to determine the role of this variant in disease. Therefore, it has been classified as a Variant of Uncertain Significance.